The following is an entry in ClinVar:

NM_032444.4(SLX4):c.4369_4385dup (p.Ala1462_Asp1463insGlyTer)

Gene: SLX4 (SLX4 structure-specific endonuclease subunit; minus strand). Cytogenetic location: 16p13.3.
Variant type: Duplication.
Coding change: c.4369_4385dup on transcript NM_032444.4 (MANE Select); coding-DNA positions 4369 to 4385, 17 bases duplicated (AGGATGAACGAGGCCGC).
Protein change: p.Ala1462_Asp1463insGlyTer.
Molecular consequence: nonsense, inframe insertion.
Genome position (GRCh38, 1-based): chr16:3,589,253-3,589,269, GCGGCCTCGTTCATCCT duplicated on the plus strand (AGGATGAACGAGGCCGC on the coding strand, the reverse complement: SLX4 is on the minus strand); duplicating any 17 consecutive bases within chr16:3,589,253-3,589,274 gives the same sequence; the c. name uses the placement nearest the transcript's 3' end. VCF-style (leftmost placement, unchanged base first): chr16-3589252-G-GGCGGCCTCGTTCATCCT. GRCh37 (hg19) VCF-style: chr16-3639253-G-GGCGGCCTCGTTCATCCT.
Identifiers: ClinVar variation 4715934 (VCV004715934.1).
Genomic context (GRCh38, chr16:3,589,252, plus strand): 5'-GCAGCTTCCTCGGATGGGGGTGGTGTCCAGGAGTCCCGGGGAGCGACAGTCACGGCTGTC[G>GGCGGCCTCGTTCATCCT]GCGGCCTCGTTCATCCTGCGGCTGGGGCTGCTGGTGCTCAGGGGGCCGGTCCGCTCCAGG-3'

ClinVar aggregate classification (germline): Pathogenic (1 of 4 stars; one submission).

Conditions:
Fanconi anemia (FA). Also called: Fanconi's anemia. Identifiers: Orphanet 84, MedGen C0015625, MeSH D005199, MONDO:0019391.

Submission:

Labcorp Genetics (formerly Invitae), Labcorp
Classification: Pathogenic for Fanconi anemia. Last evaluated: 2026-01-02. Review status: criteria provided, single submitter. Criteria: Invitae Variant Classification Sherloc (09022015). Collection method: clinical testing. Allele origin: germline.
Comment: This sequence change creates a premature translational stop signal (p.Asp1463delinsGly*) in the SLX4 gene. It is expected to result in an absent or disrupted protein product. Loss-of-function variants in SLX4 are known to be pathogenic (PMID: 21240277). This variant is not present in population databases (gnomAD no frequency). This variant has not been reported in the literature in individuals affected with SLX4-related conditions. For these reasons, this variant has been classified as Pathogenic.

Literature cited by the submitters: PubMed 21240277.